The following is an entry in ClinVar:

NM_001379200.1(TBX1):c.194_202del (p.Ala65_Pro67del)

Gene: TBX1 (T-box transcription factor 1; plus strand). Cytogenetic location: 22q11.21.
Variant type: Deletion.
Coding change: c.194_202del on transcript NM_001379200.1 (MANE Select); coding-DNA positions 194 to 202, 9 bases deleted (CCGCCCCCG; older notation c.194_202delCCGCCCCCG).
Protein change: p.Ala65_Pro67del.
Molecular consequence: inframe deletion.
Genome position (GRCh38, 1-based): chr22:19,761,037-19,761,045, CCGCCCCCG deleted; deleting any 9 consecutive bases within chr22:19,761,034-19,761,045 gives the same sequence; the c. name uses the placement nearest the transcript's 3' end. VCF-style (leftmost placement, unchanged base first): chr22-19761033-GCCGCCGCCC-G. GRCh37 (hg19) VCF-style: chr22-19748556-GCCGCCGCCC-G.
Other names: c.167_175del, p.Ala56_Pro58del (NM_005992.1, NM_080646.2, NM_080647.1); c.167_175delCCGCCCCCG (NM_080647.1).
Identifiers: ClinVar variation 665709 (VCV000665709.8), dbSNP rs1601283061, ClinGen allele CA915952579.

ClinVar aggregate classification (germline): Uncertain significance (1 of 4 stars; one submission).

Conditions:
DiGeorge syndrome. Also called: Catch22; THIRD AND FOURTH PHARYNGEAL POUCH SYNDROME. Identifiers: Orphanet 567, MedGen C0012236, MONDO:0008564, OMIM 188400.

Submission:

Labcorp Genetics (formerly Invitae), Labcorp
Classification: Uncertain significance for DiGeorge syndrome. Last evaluated: 2025-04-02. Review status: criteria provided, single submitter. Criteria: Invitae Variant Classification Sherloc (09022015). Collection method: clinical testing. Allele origin: germline.
Comment: This variant, c.167_175del, results in the deletion of 3 amino acid(s) of the TBX1 protein (p.Ala56_Pro58del), but otherwise preserves the integrity of the reading frame. The frequency data for this variant in the population databases is considered unreliable, as metrics indicate insufficient coverage at this position in the gnomAD database. This variant has not been reported in the literature in individuals affected with TBX1-related conditions. ClinVar contains an entry for this variant (Variation ID: 665709). Experimental studies and prediction algorithms are not available or were not evaluated, and the functional significance of this variant is currently unknown. In summary, the available evidence is currently insufficient to determine the role of this variant in disease. Therefore, it has been classified as a Variant of Uncertain Significance.